The following is an entry in ClinVar:

ClinVar aggregate classification (germline): Uncertain significance (1 of 4 stars; one submission).

Conditions:
Epidermolysis bullosa simplex with nail dystrophy (EBS5D). Identifiers: MedGen C4225309, MONDO:0014661, OMIM 616487.
Epidermolysis bullosa simplex, Ogna type (EBS5A). Also called: EPIDERMOLYSIS BULLOSA SIMPLEX 5A, OGNA TYPE; Pidermolysis bullosa simplex 5A, Ogna type. Identifiers: Orphanet 79401, MedGen C0432317, MONDO:0007555, OMIM 131950.
Autosomal recessive limb-girdle muscular dystrophy type 2Q (LGMDR17). Also called: MUSCULAR DYSTROPHY, LIMB-GIRDLE, AUTOSOMAL RECESSIVE 17. Identifiers: Orphanet 254361, MedGen C3150989, MONDO:0013390, OMIM 613723.
Epidermolysis bullosa simplex 5B, with muscular dystrophy (EBS5B). Also called: EPIDERMOLYSIS BULLOSA SIMPLEX AND LIMB-GIRDLE MUSCULAR DYSTROPHY; Epidermolysis bullosa simplex with muscular dystrophy. Identifiers: Orphanet 257, MedGen C2931072, MONDO:0009181, OMIM 226670.
Epidermolysis bullosa simplex 5C, with pyloric atresia (EBS5C). Also called: PLEC-Related Epidermolysis Bullosa with Pyloric Atresia; Epidermolysis bullosa simplex with pyloric atresia; PLEC1-Related Epidermolysis Bullosa with Pyloric Atresia. Identifiers: Orphanet 158684, MedGen C2677349, MONDO:0012807, OMIM 612138.

gnomAD v4.1: 3 of 1,613,170 alleles (0.00019%); highest among the groups gnomAD compares: Admixed American, 0.0017%; no homozygotes.

Submission:

Labcorp Genetics (formerly Invitae), Labcorp
Classification: Uncertain significance for Autosomal recessive limb-girdle muscular dystrophy type 2Q; Epidermolysis bullosa simplex, Ogna type; Epidermolysis bullosa simplex with nail dystrophy; Epidermolysis bullosa simplex 5C, with pyloric atresia; Epidermolysis bullosa simplex 5B, with muscular dystrophy. Last evaluated: 2025-09-07. Review status: criteria provided, single submitter. Criteria: Invitae Variant Classification Sherloc (09022015). Collection method: clinical testing. Allele origin: germline.
Comment: This sequence change replaces isoleucine, which is neutral and non-polar, with phenylalanine, which is neutral and non-polar, at codon 1306 of the PLEC protein (p.Ile1306Phe). This variant is present in population databases (no rsID available, gnomAD 0.003%). This variant has not been reported in the literature in individuals affected with PLEC-related conditions. Invitae Evidence Modeling of protein sequence and biophysical properties (such as structural, functional, and spatial information, amino acid conservation, physicochemical variation, residue mobility, and thermodynamic stability) indicates that this missense variant is expected to disrupt PLEC protein function with a positive predictive value of 80%. In summary, the available evidence is currently insufficient to determine the role of this variant in disease. Therefore, it has been classified as a Variant of Uncertain Significance.

NM_201384.3(PLEC):c.3835A>T (p.Ile1279Phe)

Gene: PLEC (plectin; minus strand). Cytogenetic location: 8q24.3.
Variant type: single nucleotide variant.
Coding change: c.3835A>T on transcript NM_201384.3 (MANE Select); coding-DNA position 3835, A replaced by T.
Protein change: p.Ile1279Phe; replaces isoleucine 1279 with phenylalanine.
Molecular consequence: missense variant.
Genome position (GRCh38, 1-based): chr8:143,927,257, T>A on the plus strand (A>T on the coding strand, the complement: PLEC is on the minus strand). VCF-style: chr8-143927257-T-A. GRCh37 (hg19) VCF-style: chr8-145001425-T-A.
Other names: c.3835A>T, p.Ile1279Phe (NM_201382.4); c.3847A>T, p.Ile1283Phe (NM_201383.3); c.3916A>T, p.Ile1306Phe (NM_000445.5, NM_001410941.1); c.3793A>T, p.Ile1265Phe (NM_201378.4); c.3769A>T, p.Ile1257Phe (NM_201379.3); c.4246A>T, p.Ile1416Phe (NM_201380.4); c.3739A>T, p.Ile1247Phe (NM_201381.3); short protein forms I1265F, I1306F, I1416F, I1247F, I1279F, I1283F, I1257F.
Identifiers: ClinVar variation 4787929 (VCV004787929.1).